The following is an entry in ClinVar:

NM_022114.4(PRDM16):c.2394C>T (p.Gly798=)

Gene: PRDM16 (PR/SET domain 16; plus strand). Cytogenetic location: 1p36.32.
Variant type: single nucleotide variant.
Coding change: c.2394C>T on transcript NM_022114.4 (MANE Select); coding-DNA position 2394, C replaced by T.
Protein change: p.Gly798=; no amino-acid change (glycine 798 retained).
Molecular consequence: synonymous variant.
Genome position (GRCh38, 1-based): chr1:3,412,591, C>T. VCF-style: chr1-3412591-C-T. GRCh37 (hg19) VCF-style: chr1-3329155-C-T.
Other names: p.Gly798=; c.2394C>T, p.Gly798= (NM_199454.3).
Identifiers: ClinVar variation 541397 (VCV000541397.14), dbSNP rs374283575, ClinGen allele CA544464.

ClinVar aggregate classification (germline): Benign/Likely benign. Review status: criteria provided, multiple submitters, no conflicts (2 of 4 stars). 4 submissions from 4 submitters: Benign (1); Likely benign (3). Last evaluated 2026-04-28.

Conditions:
Left ventricular noncompaction 8 (LVNC8). Identifiers: Orphanet 154, Orphanet 54260, MedGen C3809288, MONDO:0014152, OMIM 615373.

Allele frequency attached by ClinVar (database versions not stated): gnomAD exomes 0.00005 and 0.00007; ExAC 0.00008; ESP Exome Variant Server 0.00017; gnomAD 0.00030 and 0.00031; TOPMed 0.00031.
gnomAD v4.1: 124 of 1,602,708 alleles (0.0077%); highest among the groups gnomAD compares: African/African-American, 0.11%; 1 homozygote.

Submissions (4):

Women's Health and Genetics/Laboratory Corporation of America, LabCorp
Classification: Benign. Last evaluated: 2026-04-28. Review status: criteria provided, single submitter. Criteria: LabCorp Variant Classification Summary - May 2015. Collection method: clinical testing. Allele origin: germline.
Comment: Variant summary: PRDM16 c.2394C>T alters a conserved nucleotide resulting in a synonymous change. Several computational tools predict a significant impact on normal splicing: Four predict the variant creates a 5' donor site. However, these predictions have yet to be confirmed by functional studies. The variant allele was found at a frequency of 6.6e-05 in 227758 control chromosomes. The observed variant frequency exceeds the estimated maximal expected allele frequency for disease-causing variants in PRDM16. To our knowledge, no occurrence of c.2394C>T in individuals affected with PRDM16-related conditions and no experimental evidence demonstrating its impact on protein function have been reported. ClinVar contains an entry for this variant (Variation ID: 541397). Based on the evidence outlined above, the variant was classified as benign.

Labcorp Genetics (formerly Invitae), Labcorp
Classification: Likely benign for Left ventricular noncompaction 8. Last evaluated: 2025-12-09. Review status: criteria provided, single submitter. Criteria: Invitae Variant Classification Sherloc (09022015). Collection method: clinical testing. Allele origin: germline.

Mayo Clinic Laboratories, Mayo Clinic
Classification: Likely benign. Last evaluated: 2025-04-08. Review status: criteria provided, single submitter. Criteria: ACMG Guidelines, 2015. Collection method: clinical testing. Allele origin: germline. Observed: 5 variant alleles.
Comment: BS1, BP4, BP7

Breakthrough Genomics
Classification: Likely benign. Review status: criteria provided, single submitter. Criteria: ACMG Guidelines, 2015. Collection method: not provided. Allele origin: germline. Inheritance: Autosomal dominant inheritance. Affected: yes.